The following is an entry in ClinVar:

NM_024513.4(FYCO1):c.678C>T (p.Asn226=)

Gene: FYCO1 (FYVE and coiled-coil domain autophagy adaptor 1; minus strand). Cytogenetic location: 3p21.31.
Variant type: single nucleotide variant.
Coding change: c.678C>T on transcript NM_024513.4 (MANE Select); coding-DNA position 678, C replaced by T.
Protein change: p.Asn226=; no amino-acid change (asparagine 226 retained).
Molecular consequence: synonymous variant.
Genome position (GRCh38, 1-based): chr3:45,968,656, G>A on the plus strand (C>T on the coding strand, the complement: FYCO1 is on the minus strand). VCF-style: chr3-45968656-G-A. GRCh37 (hg19) VCF-style: chr3-46010148-G-A.
Identifiers: ClinVar variation 901446 (VCV000901446.8), dbSNP rs140730556, ClinGen allele CA2353397.

ClinVar aggregate classification (germline): Conflicting classifications of pathogenicity. Review status: criteria provided, conflicting classifications (1 of 4 stars). 3 submissions from 3 submitters: Uncertain significance (1); Benign (1). 1 of the submissions does not count toward it. Last evaluated 2023-02-15.

Conditions:
Cataract 18 (CATC2). Also called: CATARACT 18, AUTOSOMAL RECESSIVE. Identifiers: Orphanet 91492, Orphanet 98991, Orphanet 98992, Orphanet 98995, MedGen C1864908, MONDO:0012395, OMIM 610019.
FYCO1-related disorder. Also called: FYCO1-related condition.

Allele frequency attached by ClinVar (database versions not stated): gnomAD exomes 0.00009 and 0.00018; TOPMed 0.00011; ExAC 0.00012; gnomAD 0.00014; 1000 Genomes Project 30x 0.00016; ESP Exome Variant Server 0.00023.
gnomAD v4.1: 173 of 1,614,178 alleles (0.011%); highest among the groups gnomAD compares: Admixed American, 0.0033%; no homozygotes.

Submissions (3):

Labcorp Genetics (formerly Invitae), Labcorp
Classification: Benign for Cataract 18. Last evaluated: 2023-02-15. Review status: criteria provided, single submitter. Criteria: Invitae Variant Classification Sherloc (09022015). Collection method: clinical testing. Allele origin: germline.

Illumina Laboratory Services, Illumina
Classification: Uncertain significance for Cataract 18. Last evaluated: 2018-01-12. Review status: criteria provided, single submitter. Criteria: ICSL Variant Classification Criteria 13 December 2019. Collection method: clinical testing. Allele origin: germline.

PreventionGenetics, part of Exact Sciences
Classification: Likely benign for FYCO1-related condition. Last evaluated: 2024-09-19. Review status: no assertion criteria provided. Collection method: clinical testing. Allele origin: germline. Not counted in ClinVar's aggregate classification.
Comment: This variant is classified as likely benign based on ACMG/AMP sequence variant interpretation guidelines (Richards et al. 2015 PMID: 25741868, with internal and published modifications).